The following is an entry in ClinVar:

NM_001048174.2(MUTYH):c.883C>A (p.Leu295Met)

Gene: MUTYH (mutY DNA glycosylase; minus strand). Cytogenetic location: 1p34.1.
Variant type: single nucleotide variant.
Coding change: c.883C>A on transcript NM_001048174.2 (MANE Select); coding-DNA position 883, C replaced by A.
Protein change: p.Leu295Met; replaces leucine 295 with methionine.
Molecular consequence: missense variant. On other transcripts: non-coding transcript variant (7).
Genome position (GRCh38, 1-based): chr1:45,332,053, G>T on the plus strand (C>A on the coding strand, the complement: MUTYH is on the minus strand). VCF-style: chr1-45332053-G-T. GRCh37 (hg19) VCF-style: chr1-45797725-G-T.
Other names: c.883C>A, p.Leu295Met (NM_001048171.2, NM_001407070.1, NM_001407072.1 and 6 more transcripts); c.886C>A, p.Leu296Met (NM_001048172.2, NM_001407071.1, NM_001407078.1 and 1 more transcripts); c.538C>A, p.Leu180Met (NM_001350651.2, NM_001350650.2, NM_001407082.1); c.916C>A, p.Leu306Met (NM_001407069.1, NM_001407077.1, NM_001293191.2); c.799C>A, p.Leu267Met (NM_001407075.1); c.607C>A, p.Leu203Met (NM_001407091.1, NM_001293192.2, NM_001293196.2); c.958C>A, p.Leu320Met (NM_012222.3); c.967C>A, p.Leu323Met (NM_001128425.2); and 5 more; short protein forms L267M, L296M, L309M, L295M, L302M, L180M, L281M, L320M.
Identifiers: ClinVar variation 4113963 (VCV004113963.1).

ClinVar aggregate classification (germline): Uncertain significance (1 of 4 stars; one submission).

Conditions:
Hereditary cancer-predisposing syndrome. Also called: Hereditary neoplastic syndrome; Neoplastic Syndromes, Hereditary; Tumor predisposition; Hereditary Cancer Syndrome. Identifiers: Orphanet 140162, MedGen C0027672, MeSH D009386, MONDO:0015356.

Submission:

Ambry Genetics
Classification: Uncertain significance for Hereditary cancer-predisposing syndrome. Last evaluated: 2025-08-27. Review status: criteria provided, single submitter. Criteria: Ambry Variant Classification Scheme 2023. Collection method: clinical testing. Allele origin: germline.
Comment: The p.L323M variant (also known as c.967C>A), located in coding exon 11 of the MUTYH gene, results from a C to A substitution at nucleotide position 967. The leucine at codon 323 is replaced by methionine, an amino acid with highly similar properties. This amino acid position is conserved. In addition, this alteration is predicted to be tolerated by in silico analysis. Based on the available evidence, the clinical significance of this variant remains unclear.